The following is an entry in ClinVar:

NM_000071.3(CBS):c.452G>T (p.Gly151Val)

Gene: CBS (cystathionine beta-synthase; minus strand). Cytogenetic location: 21q22.3.
Variant type: single nucleotide variant.
Coding change: c.452G>T on transcript NM_000071.3 (MANE Select); coding-DNA position 452, G replaced by T.
Protein change: p.Gly151Val; replaces glycine 151 with valine.
Molecular consequence: missense variant.
Genome position (GRCh38, 1-based): chr21:43,065,695, C>A on the plus strand (G>T on the coding strand, the complement: CBS is on the minus strand). VCF-style: chr21-43065695-C-A. GRCh37 (hg19) VCF-style: chr21-44485805-C-A.
Other names: c.452G>T, p.Gly151Val (NM_001178008.3, NM_001178009.3, NM_001320298.2); c.137G>T, p.Gly46Val (NM_001321072.1); short protein forms G151V, G46V.
Identifiers: ClinVar variation 1306833 (VCV001306833.2), dbSNP rs2146388335, ClinGen allele CA410601541.

ClinVar aggregate classification (germline): Uncertain significance (1 of 4 stars; one submission).

Submission:

GeneDx
Classification: Uncertain significance. Last evaluated: 2019-06-27. Review status: criteria provided, single submitter. Criteria: GeneDx Variant Classification Process June 2021. Collection method: clinical testing. Allele origin: germline. Affected: yes.
Comment: Not observed in large population cohorts (Lek et al., 2016); In silico analysis, which includes protein predictors and evolutionary conservation, supports a deleterious effect; Has not been previously published as pathogenic or benign to our knowledge